The following is an entry in ClinVar:

ClinVar aggregate classification (germline): Uncertain significance (1 of 4 stars; one submission).

Conditions:
Cardiovascular phenotype. Identifiers: MedGen CN230736.

gnomAD v4.1: 21 of 1,613,984 alleles (0.0013%); highest among the groups gnomAD compares: Non-Finnish European, 0.0016%; no homozygotes.

Submission:

Ambry Genetics
Classification: Uncertain significance for Cardiovascular phenotype. Last evaluated: 2025-08-03. Review status: criteria provided, single submitter. Criteria: Ambry Variant Classification Scheme 2023. Collection method: clinical testing. Allele origin: germline.
Comment: The p.G579R variant (also known as c.1735G>A), located in coding exon 10 of the EPHB4 gene, results from a G to A substitution at nucleotide position 1735. The glycine at codon 579 is replaced by arginine, an amino acid with dissimilar properties. This amino acid position is conserved. In addition, this alteration is predicted to be tolerated by in silico analysis. Based on the available evidence, the clinical significance of this variant remains unclear.

NM_004444.5(EPHB4):c.1735G>A (p.Gly579Arg)

Gene: EPHB4 (EPH receptor B4; minus strand). Cytogenetic location: 7q22.1.
Variant type: single nucleotide variant.
Coding change: c.1735G>A on transcript NM_004444.5 (MANE Select); coding-DNA position 1735, G replaced by A.
Protein change: p.Gly579Arg; replaces glycine 579 with arginine.
Molecular consequence: missense variant.
Genome position (GRCh38, 1-based): chr7:100,813,673, C>T on the plus strand (G>A on the coding strand, the complement: EPHB4 is on the minus strand). VCF-style: chr7-100813673-C-T. GRCh37 (hg19) VCF-style: chr7-100411295-C-T.
Other names: short protein forms G579R.
Identifiers: ClinVar variation 4249948 (VCV004249948.1).